The following is an entry in ClinVar:

ClinVar aggregate classification (germline): Benign/Likely benign. Review status: criteria provided, multiple submitters, no conflicts (2 of 4 stars). 8 submissions from 8 submitters: Benign (2); Likely benign (2). 4 of the submissions do not count toward it. Last evaluated 2024-11-27.

Conditions:
Ectodermal dysplasia and immunodeficiency 1 (EDAID1). Also called: Hyper-IgM immunodeficiency, X-linked, with hypohidrotic ectodermal dysplasia; ECTODERMAL DYSPLASIA AND IMMUNE DEFICIENCY 1; ECTODERMAL DYSPLASIA, ANHIDROTIC, WITH IMMUNE DEFICIENCY. Identifiers: Orphanet 238468, Orphanet 98813, MedGen C1846008, MONDO:0020740, OMIM 300291.
Immunodeficiency 33 (IMD33). Also called: X-linked mendelian susceptibility to mycobacterial diseases due to IKBKG deficiency; Immunodeficiency without anhidrotic ectodermal dysplasia. Identifiers: Orphanet 319605, Orphanet 319612, MedGen C1970879, MONDO:0010386, OMIM 300636.
Incontinentia pigmenti syndrome (IP). Also called: BLOCH-SULZBERGER SYNDROME; INCONTINENTIA PIGMENTI, FAMILIAL MALE-LETHAL TYPE; INCONTINENTIA PIGMENTI, TYPE II; Incontinentia Pigmenti. Identifiers: Orphanet 464, MedGen C0021171, MONDO:0010631, OMIM 308300.
Autoinflammatory disease, X-linked. Also called: AUTOINFLAMMATORY DISEASE, SYSTEMIC, X-LINKED. Identifiers: Orphanet 699605, MedGen C5676885, MONDO:0800129, OMIM 301081.
IKBKG-related disorder. Also called: IKBKG-related condition.
Common variable immunodeficiency (CVID). Also called: Common variable hypogamma-globulinemia; Common variable agammaglobulinemia. Identifiers: Orphanet 1572, MedGen C0009447, MONDO:0015517.

Allele frequency attached by ClinVar (database versions not stated): gnomAD exomes 0.00110 and 0.00133; ESP Exome Variant Server 0.00114; ExAC 0.00119; gnomAD 0.00138 and 0.00158; TOPMed 0.00142.
gnomAD v4.1: 1,621 of 1,188,730 alleles (0.14%); highest among the groups gnomAD compares: Admixed American, 0.16%; 1 homozygote.

Submissions (8):

Blueprint Genetics
Classification: Likely benign. Last evaluated: 2024-11-27. Review status: criteria provided, single submitter. Criteria: ACMG Guidelines, 2015. Collection method: clinical testing. Allele origin: germline.

Department of Pathology and Laboratory Medicine, Sinai Health System
Classification: Benign for Ectodermal dysplasia and immunodeficiency 1; Immunodeficiency 33; Autoinflammatory disease, X-linked; Incontinentia pigmenti syndrome. Last evaluated: 2020-05-07. Review status: criteria provided, single submitter. Criteria: ACMG Guidelines, 2015. Collection method: research. Allele origin: germline.

CeGaT Center for Human Genetics Tuebingen
Classification: Likely benign. Last evaluated: 2018-05-01. Review status: criteria provided, single submitter. Criteria: CeGaT Center For Human Genetics Tuebingen Variant Classification Criteria Version 2. Collection method: clinical testing. Allele origin: germline. Affected: yes. Observed: 1 variant allele.

Center for Pediatric Genomic Medicine, Children's Mercy Hospital and Clinics
Classification: Benign. Last evaluated: 2015-10-30. Review status: criteria provided, single submitter. Criteria: ACMG Guidelines, 2015. Collection method: clinical testing. Allele origin: germline.

OMIM
Classification: Pathogenic for IMMUNODEFICIENCY 33. Last evaluated: 2024-07-18. Review status: no assertion criteria provided. Collection method: literature only. Allele origin: germline. Not counted in ClinVar's aggregate classification.

PreventionGenetics, part of Exact Sciences
Classification: Likely benign for IKBKG-related condition. Last evaluated: 2023-09-17. Review status: no assertion criteria provided. Collection method: clinical testing. Allele origin: germline. Not counted in ClinVar's aggregate classification.
Comment: This variant is classified as likely benign based on ACMG/AMP sequence variant interpretation guidelines (Richards et al. 2015 PMID: 25741868, with internal and published modifications).

Pediatric Infectious Diseases and Immunodeficiencies Unit (UPIIP)- HUVH-VHIR, Vall d'Hebron University Hospital
Classification: Uncertain significance. Review status: no assertion criteria provided. Collection method: clinical testing. Allele origin: inherited. Inheritance: X-linked inheritance. Affected: yes. Not counted in ClinVar's aggregate classification.
Comment: The variant has a very low frequency in the reference population databases (gnomad v3.1.2 MAF:0.001). Different studies reported functional alterations of the nuclear factor-κB (NF-κB) pathway: Gautheron et al showed that p.Glu57Lys variant is associated with a defect in TRAF6-dependent signaling pathways (i.e. IL-1 beta signaling) (PMID: 20529958). Frans et al showed a decrease of IL6 induction upon stimulation with IL-1 beta and TNF-alpha in SV40-transformed NEMO -/- fibroblasts transduced with p.Glu57Lys NEMO (PMID: 28993958). The p.Glu57Lys variant has also been identified in healthy individuals (both males and females), consistent with its relatively high allele frequency. Therefore, we consider it a Variant of Uncertain Significance

UniProtKB/Swiss-Prot
No classification provided. Review status: no classification provided. Collection method: not provided. Allele origin: germline. Not counted in ClinVar's aggregate classification.

Literature cited by the submitters: PubMed 28993958 (cited by OMIM and Pediatric Infectious Diseases and Immunodeficiencies Unit (UPIIP)- HUVH-VHIR, Vall d'Hebron University Hospital); PubMed 20529958 (cited by Pediatric Infectious Diseases and Immunodeficiencies Unit (UPIIP)- HUVH-VHIR, Vall d'Hebron University Hospital); PubMed 15229184 (cited by Pediatric Infectious Diseases and Immunodeficiencies Unit (UPIIP)- HUVH-VHIR, Vall d'Hebron University Hospital).

NM_001099857.5(IKBKG):c.169G>A (p.Glu57Lys)

Gene: IKBKG (inhibitor of nuclear factor kappa B kinase regulatory subunit gamma; plus strand). Cytogenetic location: Xq28.
Variant type: single nucleotide variant.
Coding change: c.169G>A on transcript NM_001099857.5 (MANE Select); coding-DNA position 169, G replaced by A.
Protein change: p.Glu57Lys; replaces glutamic acid 57 with lysine.
Molecular consequence: missense variant. On other transcripts: non-coding transcript variant (1).
Genome position (GRCh38, 1-based): chrX:154,552,171, G>A. VCF-style: chrX-154552171-G-A. GRCh37 (hg19) VCF-style: chrX-153780386-G-A.
Other names: IKBKG, GLU57LYS (rs148695964); c.373G>A, p.Glu125Lys (NM_001099856.6); c.169G>A, p.Glu57Lys (NM_001145255.4, NM_001321396.3, NM_001321397.3 and 5 more transcripts); c.169G>A (NM_001099857.2); short protein forms E57K, E125K.
Identifiers: ClinVar variation 68234 (VCV000068234.64), dbSNP rs148695964, ClinGen allele CA219222.